The following is an entry in ClinVar:

ClinVar aggregate classification (germline): Uncertain significance. Review status: criteria provided, multiple submitters, no conflicts (2 of 4 stars). 2 submissions from 2 submitters: Uncertain significance (2). Last evaluated 2024-09-02.

Conditions:
Hereditary cancer-predisposing syndrome. Also called: Tumor predisposition; Neoplastic Syndromes, Hereditary; Hereditary Cancer Syndrome; Hereditary neoplastic syndrome. Identifiers: Orphanet 140162, MedGen C0027672, MeSH D009386, MONDO:0015356.
Gorlin syndrome. Also called: Basal cell nevus syndrome; Nevoid Basal Cell Carcinoma Syndrome. Identifiers: Orphanet 377, MedGen C0004779, MONDO:0007187.
Medulloblastoma (MDB). Also called: Medulloblastoma, somatic; MEDULLOBLASTOMA PREDISPOSITION SYNDROME. Identifiers: Orphanet 616, MedGen C0025149, MeSH D008527, MONDO:0007959, OMIM 155255, HP:0002885.

Submissions (2):

Ambry Genetics
Classification: Uncertain significance for Hereditary cancer-predisposing syndrome. Last evaluated: 2024-09-02. Review status: criteria provided, single submitter. Criteria: Ambry Variant Classification Scheme 2023. Collection method: clinical testing. Allele origin: germline.
Comment: The p.E253G variant (also known as c.758A>G), located in coding exon 7 of the SUFU gene, results from an A to G substitution at nucleotide position 758. The glutamic acid at codon 253 is replaced by glycine, an amino acid with similar properties. This amino acid position is conserved. In addition, the in silico prediction for this alteration is inconclusive. Based on the available evidence, the clinical significance of this variant remains unclear.

Labcorp Genetics (formerly Invitae), Labcorp
Classification: Uncertain significance for Gorlin syndrome; Medulloblastoma. Last evaluated: 2020-03-10. Review status: criteria provided, single submitter. Criteria: Invitae Variant Classification Sherloc (09022015). Collection method: clinical testing. Allele origin: germline.
Comment: In summary, the available evidence is currently insufficient to determine the role of this variant in disease. Therefore, it has been classified as a Variant of Uncertain Significance. Algorithms developed to predict the effect of missense changes on protein structure and function are either unavailable or do not agree on the potential impact of this missense change (SIFT: "Tolerated"; PolyPhen-2: "Possibly Damaging"; Align-GVGD: "Class C0"). This variant has not been reported in the literature in individuals with SUFU-related conditions. This variant is not present in population databases (ExAC no frequency). This sequence change replaces glutamic acid with glycine at codon 253 of the SUFU protein (p.Glu253Gly). The glutamic acid residue is highly conserved and there is a moderate physicochemical difference between glutamic acid and glycine.

NM_016169.4(SUFU):c.758A>G (p.Glu253Gly)

Gene: SUFU (SUFU negative regulator of hedgehog signaling; plus strand). Cytogenetic location: 10q24.32.
Variant type: single nucleotide variant.
Coding change: c.758A>G on transcript NM_016169.4 (MANE Select); coding-DNA position 758, A replaced by G.
Protein change: p.Glu253Gly; replaces glutamic acid 253 with glycine.
Molecular consequence: missense variant.
Genome position (GRCh38, 1-based): chr10:102,597,141, A>G. VCF-style: chr10-102597141-A-G. GRCh37 (hg19) VCF-style: chr10-104356898-A-G.
Other names: c.758A>G, p.Glu253Gly (NM_001178133.2); c.758A>G (NM_016169.3); short protein forms E253G.
Identifiers: ClinVar variation 1059822 (VCV001059822.10), dbSNP rs2135881068, ClinGen allele CA377910249.